The following is an entry in ClinVar:

NM_001958.5(EEF1A2):c.344T>C (p.Ile115Thr)

Gene: EEF1A2 (eukaryotic translation elongation factor 1 alpha 2; minus strand). Cytogenetic location: 20q13.33.
Variant type: single nucleotide variant.
Coding change: c.344T>C on transcript NM_001958.5 (MANE Select); coding-DNA position 344, T replaced by C.
Protein change: p.Ile115Thr; replaces isoleucine 115 with threonine.
Molecular consequence: missense variant.
Genome position (GRCh38, 1-based): chr20:63,495,082, A>G on the plus strand (T>C on the coding strand, the complement: EEF1A2 is on the minus strand). VCF-style: chr20-63495082-A-G. GRCh37 (hg19) VCF-style: chr20-62126435-A-G.
Other names: short protein forms I115T.
Identifiers: ClinVar variation 2807962 (VCV002807962.3), dbSNP rs2516783553, ClinGen allele CA409650465.

ClinVar aggregate classification (germline): Uncertain significance (1 of 4 stars; one submission).

Conditions:
Developmental and epileptic encephalopathy, 33 (DEE33). Also called: Epileptic encephalopathy, early infantile, 33. Identifiers: Orphanet 442835, MedGen C4225337, MONDO:0014625, OMIM 616409.

Submission:

Labcorp Genetics (formerly Invitae), Labcorp
Classification: Uncertain significance for Developmental and epileptic encephalopathy, 33. Last evaluated: 2023-09-10. Review status: criteria provided, single submitter. Criteria: Invitae Variant Classification Sherloc (09022015). Collection method: clinical testing. Allele origin: germline.
Comment: In summary, the available evidence is currently insufficient to determine the role of this variant in disease. Therefore, it has been classified as a Variant of Uncertain Significance. Advanced modeling of protein sequence and biophysical properties (such as structural, functional, and spatial information, amino acid conservation, physicochemical variation, residue mobility, and thermodynamic stability) performed at Invitae indicates that this missense variant is not expected to disrupt EEF1A2 protein function. This variant has not been reported in the literature in individuals affected with EEF1A2-related conditions. This variant is not present in population databases (gnomAD no frequency). This sequence change replaces isoleucine, which is neutral and non-polar, with threonine, which is neutral and polar, at codon 115 of the EEF1A2 protein (p.Ile115Thr).